The following is an entry in ClinVar:

ClinVar aggregate classification (germline): Pathogenic (1 of 4 stars; one submission).

Submission:

Labcorp Genetics (formerly Invitae), Labcorp
Classification: Pathogenic. Last evaluated: 2022-02-17. Review status: criteria provided, single submitter. Criteria: Invitae Variant Classification Sherloc (09022015). Collection method: clinical testing. Allele origin: germline.
Comment: For these reasons, this variant has been classified as Pathogenic. This variant has not been reported in the literature in individuals affected with DDX3X-related conditions. This variant is not present in population databases (gnomAD no frequency). This sequence change creates a premature translational stop signal (p.Ser543*) in the DDX3X gene. It is expected to result in an absent or disrupted protein product. Loss-of-function variants in DDX3X are known to be pathogenic (PMID: 26235985).

Literature cited by the submitters: PubMed 26235985.

NM_001356.5(DDX3X):c.1628C>G (p.Ser543Ter)

Gene: DDX3X (DEAD-box helicase 3 X-linked; plus strand). Cytogenetic location: Xp11.4.
Variant type: single nucleotide variant.
Coding change: c.1628C>G on transcript NM_001356.5 (MANE Select); coding-DNA position 1628, C replaced by G.
Protein change: p.Ser543Ter; replaces serine 543 with a stop codon.
Molecular consequence: nonsense. On other transcripts: non-coding transcript variant (1).
Genome position (GRCh38, 1-based): chrX:41,346,871, C>G. VCF-style: chrX-41346871-C-G. GRCh37 (hg19) VCF-style: chrX-41206124-C-G.
Other names: c.1628C>G, p.Ser543Ter (NM_001193416.3); c.1580C>G, p.Ser527Ter (NM_001193417.3); c.1070C>G, p.Ser357Ter (NM_001363819.1); short protein forms S527*, S357*, S543*.
Identifiers: ClinVar variation 2097840 (VCV002097840.4), dbSNP rs2147359928, ClinGen allele CA412777260.